The following is an entry in ClinVar:

ClinVar aggregate classification (germline): Uncertain significance. Review status: criteria provided, multiple submitters, no conflicts (2 of 4 stars). 3 submissions from 3 submitters: Uncertain significance (3). Last evaluated 2025-11-07.

Conditions:
Cardiovascular phenotype. Identifiers: MedGen CN230736.
TTN-related disorder. Also called: TTN-related disorders; TTN-related condition; TTN-related disease.

gnomAD v4.1: 19 of 1,613,330 alleles (0.0012%); highest among the groups gnomAD compares: Non-Finnish European, 0.0016%; no homozygotes.

Submissions (3):

PreventionGenetics, part of Exact Sciences
Classification: Uncertain significance for TTN-related condition. Last evaluated: 2025-11-07. Review status: criteria provided, single submitter. Criteria: ACMG Guidelines, 2015. Collection method: clinical testing. Allele origin: germline.
Comment: The TTN c.76334G>A variant is predicted to result in the amino acid substitution p.Cys25445Tyr. To our knowledge, this variant has not been reported in the literature or in a large population database (gnomAD), indicating this variant is rare. At this time, the clinical significance of this variant is uncertain due to the absence of conclusive functional and genetic evidence.

Mayo Clinic Laboratories, Mayo Clinic
Classification: Uncertain significance. Last evaluated: 2020-12-11. Review status: criteria provided, single submitter. Criteria: ACMG Guidelines, 2015. Collection method: clinical testing. Allele origin: germline. Observed: 1 variant allele.

Ambry Genetics
Classification: Uncertain significance for Cardiovascular phenotype. Last evaluated: 2020-02-03. Review status: criteria provided, single submitter. Criteria: Ambry Variant Classification Scheme 2023. Collection method: clinical testing. Allele origin: germline.
Comment: The p.C16380Y variant (also known as c.49139G>A), located in coding exon 153 of the TTN gene, results from a G to A substitution at nucleotide position 49139. The cysteine at codon 16380 is replaced by tyrosine, an amino acid with highly dissimilar properties. This amino acid position is highly conserved in available vertebrate species. In addition, the in silico prediction for this alteration is inconclusive. Since supporting evidence is limited at this time, the clinical significance of this alteration remains unclear.

NM_001267550.2(TTN):c.76334G>A (p.Cys25445Tyr)

Genes: TTN (titin; minus strand), TTN-AS1 (TTN antisense RNA 1; plus strand). Cytogenetic location: 2q31.2.
Variant type: single nucleotide variant.
Coding change: c.76334G>A on transcript NM_001267550.2 (MANE Select); coding-DNA position 76334, G replaced by A.
Protein change: p.Cys25445Tyr; replaces cysteine 25445 with tyrosine.
Molecular consequence: missense variant.
Genome position (GRCh38, 1-based): chr2:178,569,798, C>T on the plus strand (G>A on the coding strand, the complement: TTN is on the minus strand). VCF-style: chr2-178569798-C-T. GRCh37 (hg19) VCF-style: chr2-179434525-C-T.
Other names: c.71411G>A, p.Cys23804Tyr (NM_001256850.1); c.49139G>A, p.Cys16380Tyr (NM_003319.4); c.68630G>A, p.Cys22877Tyr (NM_133378.4); c.49514G>A, p.Cys16505Tyr (NM_133432.3); c.49715G>A, p.Cys16572Tyr (NM_133437.4); short protein forms C16380Y, C16505Y, C16572Y, C22877Y, C23804Y, C25445Y.
Identifiers: ClinVar variation 1163812 (VCV001163812.8), dbSNP rs2154168053, ClinGen allele CA349615883.